The following is an entry in ClinVar:

NM_014159.7(SETD2):c.6173A>G (p.Asn2058Ser)

Gene: SETD2 (SET domain containing 2, histone lysine methyltransferase; minus strand). Cytogenetic location: 3p21.31.
Variant type: single nucleotide variant.
Coding change: c.6173A>G on transcript NM_014159.7 (MANE Select); coding-DNA position 6173, A replaced by G.
Protein change: p.Asn2058Ser; replaces asparagine 2058 with serine.
Molecular consequence: missense variant. On other transcripts: non-coding transcript variant (1).
Genome position (GRCh38, 1-based): chr3:47,062,283, T>C on the plus strand (A>G on the coding strand, the complement: SETD2 is on the minus strand). VCF-style: chr3-47062283-T-C. GRCh37 (hg19) VCF-style: chr3-47103773-T-C.
Other names: c.6041A>G, p.Asn2014Ser (NM_001349370.3); short protein forms N2058S, N2014S.
Identifiers: ClinVar variation 475530 (VCV000475530.19), dbSNP rs116277395, ClinGen allele CA2362753.
Genomic context (GRCh38, chr3:47,062,283, plus strand): 5'-CTTCGTTTCCTTTTCTCTTTATTTTGAGTTTGCTTGTCTGGGTCTCTCTCTCTTGACCTA[T>C]TAGGAGTCTTCGGGGCAGGTGTTTGATCTCTGAAGCCAACAGCATCCCTTCCTCGTTCAG-3'
Protein context (NP_054878.5, residues 2048-2068): RDQTPAPKTP[Asn2058Ser]RSRERDPDKQ

ClinVar aggregate classification (germline): Benign/Likely benign. Review status: criteria provided, multiple submitters, no conflicts (2 of 4 stars). 7 submissions from 7 submitters: Benign (3); Likely benign (3). 1 of the submissions does not count toward it. Last evaluated 2026-07-01.

Conditions:
SETD2-related disorder.
Luscan-Lumish syndrome. Identifiers: Orphanet 597738, MedGen C4085873, MONDO:0014791, OMIM 616831.
Inborn genetic diseases. Identifiers: MedGen C0950123, MeSH D030342.

Allele frequency attached by ClinVar (database versions not stated): gnomAD exomes 0.00016 and 0.00035; ExAC 0.00044; gnomAD 0.00129 and 0.00141; ESP Exome Variant Server 0.00131; TOPMed 0.00146; 1000 Genomes Project 30x 0.00219; 1000 Genomes Project 0.00220.
gnomAD v4.1: 431 of 1,614,030 alleles (0.027%); highest among the groups gnomAD compares: African/African-American, 0.48%; no homozygotes.

Submissions (8):

CeGaT Center for Human Genetics Tuebingen
Classification: Likely benign. Last evaluated: 2026-07-01. Review status: criteria provided, single submitter. Criteria: CeGaT Center For Human Genetics Tuebingen Variant Classification Criteria Version 2. Collection method: clinical testing. Allele origin: germline. Affected: yes. Observed: 1 variant allele.
Comment: SETD2: BP4, BS1

Labcorp Genetics (formerly Invitae), Labcorp
Classification: Benign for Luscan-Lumish syndrome. Last evaluated: 2025-12-08. Review status: criteria provided, single submitter. Criteria: Invitae Variant Classification Sherloc (09022015). Collection method: clinical testing. Allele origin: germline.

Blueprint Genetics
Classification: Likely benign. Last evaluated: 2024-06-05. Review status: criteria provided, single submitter. Criteria: ACMG Guidelines, 2015. Collection method: clinical testing. Allele origin: germline.

Ambry Genetics
Classification: Likely benign for Inborn genetic diseases. Last evaluated: 2022-05-05. Review status: criteria provided, single submitter. Criteria: Ambry Variant Classification Scheme 2023. Collection method: clinical testing. Allele origin: germline.

Genome-Nilou Lab
Classification: Benign for Luscan-Lumish syndrome. Last evaluated: 2022-03-15. Review status: criteria provided, single submitter. Criteria: ACMG Guidelines, 2015. Collection method: clinical testing. Allele origin: germline. Affected: no.

GeneDx
Classification: Benign. Last evaluated: 2019-07-24. Review status: criteria provided, single submitter. Criteria: GeneDx Variant Classification Process June 2021. Collection method: clinical testing. Allele origin: germline. Affected: yes.

PreventionGenetics, part of Exact Sciences
Classification: Benign for SETD2-related condition. Last evaluated: 2019-04-10. Review status: no assertion criteria provided. Collection method: clinical testing. Allele origin: germline. Not counted in ClinVar's aggregate classification.
Comment: This variant is classified as benign based on ACMG/AMP sequence variant interpretation guidelines (Richards et al. 2015 PMID: 25741868, with internal and published modifications).

Dr. Peter K. Rogan Lab, Western University
No classification provided (evidence only). Condition: Uterine corpus endometrial carcinoma. Review status: no classification provided. Collection method: in vitro. Allele origin: not applicable. Functional consequence: retained intron. Not counted in ClinVar's aggregate classification.